The following is an entry in ClinVar:

NM_004608.4(TBX6):c.559C>T (p.Arg187Trp)

Gene: TBX6 (T-box transcription factor 6; minus strand). Cytogenetic location: 16p11.2.
Variant type: single nucleotide variant.
Coding change: c.559C>T on transcript NM_004608.4 (MANE Select); coding-DNA position 559, C replaced by T.
Protein change: p.Arg187Trp; replaces arginine 187 with tryptophan.
Molecular consequence: missense variant.
Genome position (GRCh38, 1-based): chr16:30,089,005, G>A on the plus strand (C>T on the coding strand, the complement: TBX6 is on the minus strand). VCF-style: chr16-30089005-G-A. GRCh37 (hg19) VCF-style: chr16-30100326-G-A.
Other names: short protein forms R187W.
Identifiers: ClinVar variation 3719124 (VCV003719124.2).

ClinVar aggregate classification (germline): Uncertain significance (1 of 4 stars; one submission).

gnomAD v4.1: 32 of 1,613,746 alleles (0.002%); highest among the groups gnomAD compares: South Asian, 0.0022%; no homozygotes.

Submission:

Labcorp Genetics (formerly Invitae), Labcorp
Classification: Uncertain significance. Last evaluated: 2025-07-29. Review status: criteria provided, single submitter. Criteria: Invitae Variant Classification Sherloc (09022015). Collection method: clinical testing. Allele origin: germline.
Comment: This sequence change replaces arginine, which is basic and polar, with tryptophan, which is neutral and slightly polar, at codon 187 of the TBX6 protein (p.Arg187Trp). This variant is present in population databases (rs756149466, gnomAD 0.008%). This variant has not been reported in the literature in individuals affected with TBX6-related conditions. ClinVar contains an entry for this variant (Variation ID: 3719124). Invitae Evidence Modeling of protein sequence and biophysical properties (such as structural, functional, and spatial information, amino acid conservation, physicochemical variation, residue mobility, and thermodynamic stability) has been performed for this missense variant. However, the output from this modeling did not meet the statistical confidence thresholds required to predict the impact of this variant on TBX6 protein function. In summary, the available evidence is currently insufficient to determine the role of this variant in disease. Therefore, it has been classified as a Variant of Uncertain Significance.